The following is an entry in ClinVar:

ClinVar aggregate classification (germline): Likely pathogenic (1 of 4 stars; one submission).

Conditions:
Rubinstein-Taybi syndrome due to CREBBP mutations (RSTS1). Also called: BROAD THUMB-HALLUX SYNDROME; RUBINSTEIN SYNDROME; RUBINSTEIN-TAYBI SYNDROME 1, INCOMPLETE; Rubinstein-Taybi syndrome 1; BROAD THUMBS AND GREAT TOES, CHARACTERISTIC FACIES, AND IMPAIRED INTELLECTUAL DEVELOPMENT; CREBBP-Related Rubinstein-Taybi Syndrome. Identifiers: Orphanet 353277, Orphanet 783, MedGen C4551859, MONDO:0008393, OMIM 180849.

Submission:

Clinical Genomics Laboratory, Washington University in St. Louis
Classification: Likely pathogenic for Rubinstein-Taybi syndrome due to CREBBP mutations. Last evaluated: 2024-02-29. Review status: criteria provided, single submitter. Criteria: ACMG Guidelines, 2015. Collection method: clinical testing. Allele origin: germline. Affected: yes.
Comment: The CREBBP c.2111del (p.Pro704Glnfs*9) variant, to our knowledge, has not been reported in the medical literature and is absent from the general population (gnomAD v.2.1.1), indicating it is not a common variant. This variant causes a frameshift by deleting a single nucleotide, leading to a premature termination codon, which is predicted to lead to nonsense mediated decay. Additionally, other variants that introduce a premature termination codon in this region have been described in affected individuals and are considered pathogenic (Bentivegna A et al., PMID: 17052327; Schorry EK et al., PMID: 18792986). Based on available information and the ACMG/AMP guidelines for variant interpretation (Richards S et al., PMID: 25741868), this variant is classified as likely pathogenic.

NM_004380.3(CREBBP):c.2111del (p.Pro704fs)

Gene: CREBBP (CREB binding lysine acetyltransferase; minus strand). Cytogenetic location: 16p13.3.
Variant type: Deletion.
Coding change: c.2111del on transcript NM_004380.3 (MANE Select); coding-DNA position 2111, one base deleted (C; older notation c.2111delC).
Protein change: p.Pro704fs; shifts the reading frame from proline 704.
Molecular consequence: frameshift variant.
Genome position (GRCh38, 1-based): chr16:3,778,013, G deleted on the plus strand (C on the coding strand, the reverse complement: CREBBP is on the minus strand); the first of 2 consecutive G bases (chr16:3,778,013-3,778,014); deleting either gives the same sequence. VCF-style (leftmost placement, unchanged base first): chr16-3778012-TG-T. GRCh37 (hg19) VCF-style: chr16-3828013-TG-T.
Other names: c.1997del, p.Pro666fs (NM_001079846.1); short protein forms P666fs, P704fs.
Identifiers: ClinVar variation 3236555 (VCV003236555.1), dbSNP rs2141232462, ClinGen allele CA2731709771.